The following is an entry in ClinVar:

ClinVar aggregate classification (germline): Conflicting classifications of pathogenicity. Review status: criteria provided, conflicting classifications (1 of 4 stars). 2 submissions from 2 submitters: Uncertain significance (1); Likely benign (1). Last evaluated 2024-06-17.

Conditions:
Inborn genetic diseases. Identifiers: MedGen C0950123, MeSH D030342.

Allele frequency attached by ClinVar (database versions not stated): TOPMed below 0.00001; gnomAD 0.00001; gnomAD exomes 0.00001; ExAC 0.00003.
gnomAD v4.1: 5 of 1,613,146 alleles (0.00031%); highest among the groups gnomAD compares: Middle Eastern, 0.017%; no homozygotes.

Submissions (2):

Ambry Genetics
Classification: Likely benign for Inborn genetic diseases. Last evaluated: 2024-06-17. Review status: criteria provided, single submitter. Criteria: Ambry Variant Classification Scheme 2023. Collection method: clinical testing. Allele origin: germline.

Labcorp Genetics (formerly Invitae), Labcorp
Classification: Uncertain significance. Last evaluated: 2022-11-22. Review status: criteria provided, single submitter. Criteria: Invitae Variant Classification Sherloc (09022015). Collection method: clinical testing. Allele origin: germline.
Comment: In summary, the available evidence is currently insufficient to determine the role of this variant in disease. Therefore, it has been classified as a Variant of Uncertain Significance. Algorithms developed to predict the effect of missense changes on protein structure and function output the following: SIFT: "Tolerated"; PolyPhen-2: "Benign"; Align-GVGD: "Class C0". The threonine amino acid residue is found in multiple mammalian species, which suggests that this missense change does not adversely affect protein function. ClinVar contains an entry for this variant (Variation ID: 1474741). This variant has not been reported in the literature in individuals affected with TMEM126B-related conditions. This variant is present in population databases (rs745630370, gnomAD 0.003%). This sequence change replaces isoleucine, which is neutral and non-polar, with threonine, which is neutral and polar, at codon 127 of the TMEM126B protein (p.Ile127Thr).

NM_018480.7(TMEM126B):c.380T>C (p.Ile127Thr)

Gene: TMEM126B (transmembrane protein 126B; plus strand). Cytogenetic location: 11q14.1.
Variant type: single nucleotide variant.
Coding change: c.380T>C on transcript NM_018480.7 (MANE Select); coding-DNA position 380, T replaced by C.
Protein change: p.Ile127Thr; replaces isoleucine 127 with threonine.
Molecular consequence: missense variant. On other transcripts: intron variant (1).
Genome position (GRCh38, 1-based): chr11:85,634,262, T>C. VCF-style: chr11-85634262-T-C. GRCh37 (hg19) VCF-style: chr11-85345306-T-C.
Other names: c.320T>C, p.Ile107Thr (NM_001193537.3, NM_001350395.2); c.290T>C, p.Ile97Thr (NM_001193538.3, NM_001256546.2, NM_001350396.2); c.242T>C, p.Ile81Thr (NM_001256547.2); c.380T>C, p.Ile127Thr (NM_001350394.2); c.172+86T>C (NM_001350393.1); c.380T>C (NM_018480.3); short protein forms I81T, I97T, I107T, I127T.
Identifiers: ClinVar variation 1474741 (VCV001474741.7), dbSNP rs745630370, ClinGen allele CA6212470.